The following is an entry in ClinVar:

ClinVar aggregate classification (germline): Uncertain significance (1 of 4 stars; one submission).

Conditions:
Peroxisome biogenesis disorder 2B (PBD2B). Identifiers: Orphanet 44, MedGen C3550234, MONDO:0008736, OMIM 202370.

Allele frequency attached by ClinVar (database versions not stated): gnomAD exomes below 0.00001.
gnomAD v4.1: 1 of 1,614,222 alleles (0.000062%); highest among the groups gnomAD compares: Non-Finnish European, 0.000085%; no homozygotes.

Submission:

Labcorp Genetics (formerly Invitae), Labcorp
Classification: Uncertain significance for Peroxisome biogenesis disorder 2B. Last evaluated: 2022-06-04. Review status: criteria provided, single submitter. Criteria: Invitae Variant Classification Sherloc (09022015). Collection method: clinical testing. Allele origin: germline.
Comment: This sequence change replaces tyrosine, which is neutral and polar, with cysteine, which is neutral and slightly polar, at codon 620 of the PEX5 protein (p.Tyr620Cys). This variant is not present in population databases (gnomAD no frequency). This variant has not been reported in the literature in individuals affected with PEX5-related conditions. ClinVar contains an entry for this variant (Variation ID: 1490170). Algorithms developed to predict the effect of missense changes on protein structure and function (SIFT, PolyPhen-2, Align-GVGD) all suggest that this variant is likely to be tolerated. In summary, the available evidence is currently insufficient to determine the role of this variant in disease. Therefore, it has been classified as a Variant of Uncertain Significance.

NM_001351132.2(PEX5):c.1859A>G (p.Tyr620Cys)

Gene: PEX5 (peroxisomal biogenesis factor 5; plus strand). Cytogenetic location: 12p13.31.
Variant type: single nucleotide variant.
Coding change: c.1859A>G on transcript NM_001351132.2 (MANE Select); coding-DNA position 1859, A replaced by G.
Protein change: p.Tyr620Cys; replaces tyrosine 620 with cysteine.
Molecular consequence: missense variant.
Genome position (GRCh38, 1-based): chr12:7,210,162, A>G. VCF-style: chr12-7210162-A-G. GRCh37 (hg19) VCF-style: chr12-7362758-A-G.
Other names: c.1835A>G, p.Tyr612Cys (NM_000319.5); c.1904A>G, p.Tyr635Cys (NM_001131023.2); c.1748A>G, p.Tyr583Cys (NM_001131024.2, NM_001351124.3, NM_001351126.2 and 7 more transcripts); c.1859A>G, p.Tyr620Cys (NM_001131025.2, NM_001131026.2, NM_001300789.3 and 4 more transcripts); c.1793A>G, p.Tyr598Cys (NM_001351135.3, NM_001351138.2); c.1850A>G, p.Tyr617Cys (NM_001351136.2); c.1724A>G, p.Tyr575Cys (NM_001351139.2, NM_001351140.2, NM_001374649.2); short protein forms Y612C, Y575C, Y598C, Y620C, Y635C, Y583C, Y617C.
Identifiers: ClinVar variation 1490170 (VCV001490170.5), dbSNP rs2136266140, ClinGen allele CA383740657.
Genomic context (GRCh38, chr12:7,210,162, plus strand): 5'-CGGAGAACATCTGGAGCACCCTGCGTTTGGCATTGTCTATGTTAGGCCAGAGCGATGCCT[A>G]TGGGGCAGCCGACGCGCGGGATCTGTCCACCCTCCTAACTATGTTTGGCCTGCCCCAGTG-3'
Protein context (NP_001338061.1, residues 610-630): ALSMLGQSDA[Tyr620Cys]GAADARDLST